The following is an entry in ClinVar:

ClinVar aggregate classification (germline): Pathogenic (1 of 4 stars; one submission).

Submission:

GeneDx
Classification: Pathogenic. Last evaluated: 2025-05-13. Review status: criteria provided, single submitter. Criteria: GeneDx Variant Classification Process June 2021. Collection method: clinical testing. Allele origin: germline. Affected: yes.
Comment: Nonsense variant predicted to result in protein truncation or nonsense mediated decay in a gene for which loss of function is a known mechanism of disease; Not observed at significant frequency in large population cohorts (gnomAD); This variant is associated with the following publications: (PMID: 18930999, 23195492, 25525159, 23884151, 31864146)

NM_001165963.4(SCN1A):c.1315C>T (p.Gln439Ter)

Gene: SCN1A (sodium voltage-gated channel alpha subunit 1; minus strand). Cytogenetic location: 2q24.3.
Variant type: single nucleotide variant.
Coding change: c.1315C>T on transcript NM_001165963.4 (MANE Select); coding-DNA position 1315, C replaced by T.
Protein change: p.Gln439Ter; replaces glutamine 439 with a stop codon.
Molecular consequence: nonsense. On other transcripts: 5 prime UTR variant (1), non-coding transcript variant (1).
Genome position (GRCh38, 1-based): chr2:166,046,832, G>A on the plus strand (C>T on the coding strand, the complement: SCN1A is on the minus strand). VCF-style: chr2-166046832-G-A. GRCh37 (hg19) VCF-style: chr2-166903342-G-A.
Other names: c.1315C>T, p.Gln439Ter (NM_001353950.2, NM_001353951.2, NM_001353952.2 and 10 more transcripts); c.-1111C>T (NM_001353961.2); short protein forms Q439*.
Identifiers: ClinVar variation 4529718 (VCV004529718.1).